The following is an entry in ClinVar:

ClinVar aggregate classification (germline): Conflicting classifications of pathogenicity. Review status: criteria provided, conflicting classifications (1 of 4 stars). 9 submissions from 9 submitters: Pathogenic (1); Likely pathogenic (2); Uncertain significance (6). Last evaluated 2026-03-27.

Conditions:
Hereditary cancer-predisposing syndrome. Also called: Tumor predisposition; Hereditary Cancer Syndrome; Neoplastic Syndromes, Hereditary; Hereditary neoplastic syndrome. Identifiers: Orphanet 140162, MedGen C0027672, MeSH D009386, MONDO:0015356.
Hereditary breast ovarian cancer syndrome. Also called: Breast and ovarian cancer; Hereditary breast and ovarian cancer; Hereditary breast and/or ovarian cancer syndrome; Hereditary breast and ovarian cancer syndrome; Hereditary breast and ovarian cancer syndrome (HBOC); BRCA1- and BRCA2-Associated Hereditary Breast and Ovarian Cancer. Identifiers: Orphanet 145, MedGen C0677776, MeSH D061325, MONDO:0003582. Disease mechanism: loss of function.
Breast-ovarian cancer, familial, susceptibility to, 2 (BROVCA2). Also called: BRCA2 Hereditary Breast and Ovarian Cancer. Identifiers: Orphanet 145, MedGen C2675520, MONDO:0012933, OMIM 612555. Disease mechanism: loss of function.
Malignant tumor of breast. Also called: Cancer breast; Malignant breast neoplasm. Identifiers: MedGen C0006142, MONDO:0007254. Disease mechanism: loss of function.

Submissions 1 to 6 of 9:

Myriad Genetics, Inc.
Classification: Likely pathogenic for Breast-ovarian cancer, familial, susceptibility to, 2. Last evaluated: 2026-03-27. Review status: criteria provided, single submitter. Criteria: Myriad Autosomal Dominant, Autosomal Recessive and X-Linked Classification Criteria (2023). Collection method: clinical testing. Allele origin: unknown.
Comment: This variant is considered likely pathogenic. Functional studies indicate this variant impacts protein function [PMID: 30410870, 22678057, 16793542, 28673926]. This variant is expected to disrupt protein structure [Myriad internal data].

Labcorp Genetics (formerly Invitae), Labcorp
Classification: Pathogenic for Hereditary breast ovarian cancer syndrome. Last evaluated: 2026-01-11. Review status: criteria provided, single submitter. Criteria: Invitae Variant Classification Sherloc (09022015). Collection method: clinical testing. Allele origin: germline.
Comment: This sequence change replaces tryptophan, which is neutral and slightly polar, with glycine, which is neutral and non-polar, at codon 31 of the BRCA2 protein (p.Trp31Gly). This variant is not present in population databases (gnomAD no frequency). This missense change has been observed in individual(s) with breast cancer and/or ovarian cancer (PMID: 11149425, 30093976, 30410870, 31742824, 32778078; internal data). It has also been observed to segregate with disease in related individuals. ClinVar contains an entry for this variant (Variation ID: 481540). Invitae Evidence Modeling of protein sequence and biophysical properties (such as structural, functional, and spatial information, amino acid conservation, physicochemical variation, residue mobility, and thermodynamic stability) indicates that this missense variant is not expected to disrupt BRCA2 protein function with a negative predictive value of 95%. Experimental studies have shown that this missense change affects BRCA2 function (PMID: 30410870, 32444794, 35979650). This variant disrupts the p.Trp31 amino acid residue in BRCA2. Other variant(s) that disrupt this residue have been determined to be pathogenic (PMID: 9537232, 16793542, 18363094, 19609323, 20215541, 21939546, 22194698, 22678057, 24285729). This suggests that this residue is clinically significant, and that variants that disrupt this residue are likely to be disease-causing. For these reasons, this variant has been classified as Pathogenic.

Ambry Genetics
Classification: Uncertain significance for Hereditary cancer-predisposing syndrome. Last evaluated: 2025-04-18. Review status: criteria provided, single submitter. Criteria: Ambry Variant Classification Scheme 2023. Collection method: clinical testing. Allele origin: germline.
Comment: The p.W31G variant (also known as c.91T>G), located in coding exon 2 of the BRCA2 gene, results from a T to G substitution at nucleotide position 91. The tryptophan at codon 31 is replaced by glycine, an amino acid with highly dissimilar properties. This variant has been reported in multiple breast cancer families in the literature (Chan GHJ et al. Oncotarget, 2018 Jul;9:30649-30660; Caleca L et al. Front Oncol, 2018 Oct;8:480; Shao D et al. Cancer Sci., 2020 Feb;111:647-657; El Ansari FZ et al. BMC Cancer, 2020 Aug;20:747). This alteration was also reported to abrogate the BRCA2-PALB2 protein binding based on an in vitro assay specifically designed to test the BRCA2-PALB2 interaction (Caleca L et al. Front Oncol, 2018 Oct;8:480). This alteration was non-functional in a cell-survival-based drug sensitivity assay compared to wildtype (Ikegami M et al. Nat Commun, 2020 May;11:2573). In a mouse embryonic stem cell assay this variant led to poor cell viability and the authors noted that the tryptophan residue at codon 31 may be a critical residue for BRCA2PALB2 interaction (Thomassen M et al. Hum Mutat, 2022 Aug). In addition, in an assay testing homologous recombination function, this variant showed a functionally abnormal result. This amino acid position is highly conserved in available vertebrate species. In addition, the in silico prediction for this alteration is inconclusive. Based on the available evidence, the clinical significance of this variant remains unclear.

German Consortium for Hereditary Breast and Ovarian Cancer, University Hospital Cologne
Classification: Uncertain significance for Hereditary breast ovarian cancer syndrome. Last evaluated: 2024-12-10. Review status: criteria provided, single submitter. Criteria: ClinGen BRCA2 V1.1.0. Collection method: curation. Allele origin: germline.
Comment: According to the ClinGen ENIGMA BRCA2 v1.1.0 criteria we chose these criteria: PS3 (strong pathogenic): Table 9: Reported by one calibrated study to exhibit protein function similar to pathogenic control variants (PMID:32444794) , PM2 (supporting pathogenic): not in gnomAD v2.1.1; v3.1.2, BP4 (supporting benign): BayesDel no-AF score <= 0.18 AND SpliceAI <=0.1

Color Diagnostics, LLC DBA Color Health
Classification: Uncertain significance for Hereditary cancer-predisposing syndrome. Last evaluated: 2023-12-28. Review status: criteria provided, single submitter. Criteria: ACMG Guidelines, 2015. Collection method: clinical testing. Allele origin: germline.
Comment: This missense variant replaces tryptophan with glycine at codon 31 of the BRCA2 protein. Computational prediction suggests that this variant may not impact protein structure and function (internally defined REVEL score threshold <= 0.5, PMID: 27666373). Functional studies have shown that this variant has poor complementation in Brca2-deficient mouse embryonic stem cells and demonstrates sensitivity to PARP inhibitors (PMID: 32444794, 35979650) and reduced homology-directed repair activity compared to wildtype but higher than the negative controls (PMID: 37731132). This variant has been reported in individuals affected with early-onset breast cancer and ovarian cancer (PMID: 30093976, 30410870, 32778078). This variant has not been identified in the general population by the Genome Aggregation Database (gnomAD). Different variants affecting the same codon, c.91T>C (p.Trp31Arg) and c.92G>C (p.Trp31Ser), are considered to be pathogenic (ClinVar Variation ID: 52775, 2098802), suggesting that Trp at this position is important for BRCA2 protein function. However, c.91T>A (p.Trp31Arg) is considered a variant of uncertain significance (ClinVar Variation ID: 1766179). The available evidence is insufficient to determine the role of this variant in disease conclusively. Therefore, this variant is classified as a Variant of Uncertain Significance.

GeneDx
Classification: Uncertain significance. Last evaluated: 2023-10-18. Review status: criteria provided, single submitter. Criteria: GeneDx Variant Classification Process June 2021. Collection method: clinical testing. Allele origin: germline. Affected: yes.
Comment: Published functional studies demonstrate reduced homology-directed repair activity, sensitivity to PARP inhibitors, disrupted PALB2 binding, and poor cell viability, but retained ability to rescue cell growth (PMID: 30410870, 35979650, 32444794, 37731132); Identified in individuals with breast or ovarian cancer, segregating with disease in one family (PMID: 30410870, 30093976, 32778078); Not observed at significant frequency in large population cohorts (gnomAD); In silico analysis supports that this missense variant has a deleterious effect on protein structure/function; Also known as 319T>G; This variant is associated with the following publications: (PMID: 30410870, 29884841, 35979650, 9537232, 16793542, 19609323, 18363094, 20215541, 21939546, 22194698, 22678057, 32377563, 24285729, 31586400, 31742824, 30093976, 32778078, 32444794, 37731132)

NM_000059.4(BRCA2):c.91T>G (p.Trp31Gly)

Gene: BRCA2 (BRCA2 DNA repair associated; plus strand). Cytogenetic location: 13q13.1.
Variant type: single nucleotide variant.
Coding change: c.91T>G on transcript NM_000059.4 (MANE Select); coding-DNA position 91, T replaced by G.
Protein change: p.Trp31Gly; replaces tryptophan 31 with glycine.
Molecular consequence: missense variant.
Genome position (GRCh38, 1-based): chr13:32,319,100, T>G. VCF-style: chr13-32319100-T-G. GRCh37 (hg19) VCF-style: chr13-32893237-T-G.
Other names: short protein forms W31G.
Identifiers: ClinVar variation 481540 (VCV000481540.21), dbSNP rs80359182, ClinGen allele CA387754107.
Genomic context (GRCh38, chr13:32,319,100, plus strand): 5'-CTGGTTAAAACTAAGGTGGGATTTTTTTTTTAAATAGATTTAGGACCAATAAGTCTTAAT[T>G]GGTTTGAAGAACTTTCTTCAGAAGCTCCACCCTATAATTCTGAACCTGCAGAAGAATCTG-3'
Protein context (NP_000050.3, residues 21-41): KADLGPISLN[Trp31Gly]FEELSSEAPP